The following is an entry in ClinVar:

NM_001267550.2(TTN):c.8789T>G (p.Val2930Gly)

Gene: TTN (titin; minus strand). Cytogenetic location: 2q31.2.
Variant type: single nucleotide variant.
Coding change: c.8789T>G on transcript NM_001267550.2 (MANE Select); coding-DNA position 8789, T replaced by G.
Protein change: p.Val2930Gly; replaces valine 2930 with glycine.
Molecular consequence: missense variant.
Genome position (GRCh38, 1-based): chr2:178,769,792, A>C on the plus strand (T>G on the coding strand, the complement: TTN is on the minus strand). VCF-style: chr2-178769792-A-C. GRCh37 (hg19) VCF-style: chr2-179634519-A-C.
Other names: c.8789T>G, p.Val2930Gly (NM_001256850.1, NM_133378.4, NM_133379.5); c.8651T>G, p.Val2884Gly (NM_003319.4, NM_133432.3, NM_133437.4); short protein forms V2884G, V2930G.
Identifiers: ClinVar variation 3774789 (VCV003774789.1).

ClinVar aggregate classification (germline): Uncertain significance (1 of 4 stars; one submission).

gnomAD v4.1: 2 of 1,613,948 alleles (0.00012%); highest among the groups gnomAD compares: Admixed American, 0.0033%; no homozygotes.

Submission:

GeneDx
Classification: Uncertain significance. Last evaluated: 2024-09-30. Review status: criteria provided, single submitter. Criteria: GeneDx Variant Classification Process June 2021. Collection method: clinical testing. Allele origin: germline. Affected: yes.
Comment: Not observed at significant frequency in large population cohorts (gnomAD); Missense variant in a gene in which most reported pathogenic variants are truncating/loss of function; Has not been previously published as pathogenic or benign to our knowledge